The following is an entry in ClinVar:

NM_022916.6(VPS33A):c.1097-1191_1097-1190dup

Gene: VPS33A (VPS33A core subunit of CORVET and HOPS complexes; minus strand). Cytogenetic location: 12q24.31.
Variant type: Duplication.
Coding change: c.1097-1191_1097-1190dup on transcript NM_022916.6 (MANE Select); 1191 bases into the intron before coding-DNA position 1097 through 1190 bases into the intron before coding-DNA position 1097, 2 bases duplicated (TT; older notation c.1097-1191_1097-1190dupTT).
Molecular consequence: intron variant.
Genome position (GRCh38, 1-based): chr12:122,241,135-122,241,136, AA duplicated on the plus strand (TT on the coding strand, the reverse complement: VPS33A is on the minus strand); duplicating any 2 consecutive bases within chr12:122,241,135-122,241,150 gives the same sequence; the c. name uses the placement nearest the transcript's 3' end. VCF-style (leftmost placement, unchanged base first): chr12-122241134-C-CAA. GRCh37 (hg19) VCF-style: chr12-122725681-C-CAA.
Other names: c.776-1191_776-1190dup (NM_001351020.2); c.1064-1191_1064-1190dup (NM_001351018.2); c.1049-1191_1049-1190dup (NM_001351019.2).
Identifiers: ClinVar variation 3239318 (VCV003239318.19), dbSNP rs545099449.

ClinVar aggregate classification (germline): Likely benign (1 of 4 stars; one submission).

Submission:

CeGaT Center for Human Genetics Tuebingen
Classification: Likely benign. Last evaluated: 2024-11-01. Review status: criteria provided, single submitter. Criteria: CeGaT Center For Human Genetics Tuebingen Variant Classification Criteria Version 2. Collection method: clinical testing. Allele origin: germline. Affected: yes. Observed: 2 variant alleles.
Comment: VPS33A: BP4, BS1